The following is an entry in ClinVar:

ClinVar aggregate classification (germline): Benign/Likely benign. Review status: criteria provided, multiple submitters, no conflicts (2 of 4 stars). 7 submissions from 7 submitters: Benign (4); Likely benign (3). Last evaluated 2025-12-01.

Conditions:
Sotos syndrome (SOTOS). Also called: CHROMOSOME 5q35 DELETION SYNDROME; CEREBRAL GIGANTISM; Sotos' syndrome; Distinctive facial appearance, overgrowth in childhood, and learning disabilities or delayed development; SOTOS SYNDROME 1. Identifiers: Orphanet 821, MedGen C0175695, MONDO:0019349, OMIM 117550.
Inborn genetic diseases. Identifiers: MedGen C0950123, MeSH D030342.

Allele frequency attached by ClinVar (database versions not stated): ESP Exome Variant Server 0.00008; 1000 Genomes Project 30x 0.00031; 1000 Genomes Project 0.00040.
gnomAD v4.1: 600 of 1,614,128 alleles (0.037%); highest among the groups gnomAD compares: South Asian, 0.52%; 11 homozygotes.

Submissions (7):

CeGaT Center for Human Genetics Tuebingen
Classification: Likely benign. Last evaluated: 2025-12-01. Review status: criteria provided, single submitter. Criteria: CeGaT Center For Human Genetics Tuebingen Variant Classification Criteria Version 2. Collection method: clinical testing. Allele origin: germline. Affected: yes. Observed: 6 variant alleles.
Comment: NSD1: BS1

Labcorp Genetics (formerly Invitae), Labcorp
Classification: Benign. Last evaluated: 2025-11-16. Review status: criteria provided, single submitter. Criteria: Invitae Variant Classification Sherloc (09022015). Collection method: clinical testing. Allele origin: germline.

Blueprint Genetics
Classification: Likely benign. Last evaluated: 2024-10-16. Review status: criteria provided, single submitter. Criteria: ACMG Guidelines, 2015. Collection method: clinical testing. Allele origin: germline.

Genome-Nilou Lab
Classification: Benign for Sotos syndrome. Last evaluated: 2021-07-15. Review status: criteria provided, single submitter. Criteria: ACMG Guidelines, 2015. Collection method: clinical testing. Allele origin: germline. Affected: no.

GeneDx
Classification: Benign. Last evaluated: 2020-07-21. Review status: criteria provided, single submitter. Criteria: GeneDx Variant Classification Process June 2021. Collection method: clinical testing. Allele origin: germline. Affected: yes.
Comment: This variant is associated with the following publications: (PMID: 25801821, 16247291, 27153395)

Ambry Genetics
Classification: Likely benign for Inborn genetic diseases. Last evaluated: 2017-03-10. Review status: criteria provided, single submitter. Criteria: Ambry Variant Classification Scheme 2023. Collection method: clinical testing. Allele origin: germline.

Genetic Services Laboratory, University of Chicago
Classification: Benign. Last evaluated: 2013-02-08. Review status: criteria provided, single submitter. Criteria: ACMG Guidelines, 2007. Collection method: clinical testing. Allele origin: germline. Inheritance: Autosomal dominant inheritance.

NM_022455.5(NSD1):c.4564G>A (p.Asp1522Asn)

Gene: NSD1 (nuclear receptor binding SET domain protein 1; plus strand). Cytogenetic location: 5q35.3.
Variant type: single nucleotide variant.
Coding change: c.4564G>A on transcript NM_022455.5 (MANE Select); coding-DNA position 4564, G replaced by A.
Protein change: p.Asp1522Asn; replaces aspartic acid 1522 with asparagine.
Molecular consequence: missense variant.
Genome position (GRCh38, 1-based): chr5:177,248,247, G>A. VCF-style: chr5-177248247-G-A. GRCh37 (hg19) VCF-style: chr5-176675248-G-A.
Other names: c.3691G>A, p.Asp1231Asn (NM_172349.5, NM_001365684.2, NM_001409306.1 and 3 more transcripts); c.4564G>A, p.Asp1522Asn (NM_001409301.1, NM_001409302.1, NM_001409303.1); c.4144G>A, p.Asp1382Asn (NM_001409304.1); c.3811G>A, p.Asp1271Asn (NM_001409305.1); short protein forms D1522N, D1253N, D1382N, D1231N, D1271N.
Identifiers: ClinVar variation 159337 (VCV000159337.46), dbSNP rs201483724, ClinGen allele CA172828.